The following is an entry in ClinVar:

ClinVar aggregate classification (germline): Likely benign (1 of 4 stars; one submission).

Allele frequency attached by ClinVar (database versions not stated): gnomAD exomes below 0.00001; TOPMed below 0.00001; ExAC 0.00001; gnomAD 0.00001.
gnomAD v4.1: 5 of 1,613,634 alleles (0.00031%); highest among the groups gnomAD compares: East Asian, 0.0089%; no homozygotes.

Submission:

GeneDx
Classification: Likely benign. Last evaluated: 2017-12-27. Review status: criteria provided, single submitter. Criteria: GeneDx Variant Classification (06012015). Collection method: clinical testing. Allele origin: germline. Affected: yes.
Comment: This variant is considered likely benign or benign based on one or more of the following criteria: it is a conservative change, it occurs at a poorly conserved position in the protein, it is predicted to be benign by multiple in silico algorithms, and/or has population frequency not consistent with disease.

NM_016729.3(FOLR1):c.168+13G>A

Genes: FOLR1 (folate receptor alpha; plus strand), FOLR1-AS1 (FOLR1 antisense RNA 1; minus strand). Cytogenetic location: 11q13.4.
Variant type: single nucleotide variant.
Coding change: c.168+13G>A on transcript NM_016729.3 (MANE Select); 13 bases into the intron after coding-DNA position 168, G replaced by A.
Molecular consequence: intron variant.
Genome position (GRCh38, 1-based): chr11:72,192,354, G>A. VCF-style: chr11-72192354-G-A. GRCh37 (hg19) VCF-style: chr11-71903398-G-A.
Other names: c.168+13G>A (NM_016724.3, NM_016725.3, NM_000802.3).
Identifiers: ClinVar variation 514217 (VCV000514217.1), dbSNP rs745859325, ClinGen allele CA6169121.